The following is an entry in ClinVar:

ClinVar aggregate classification (germline): Pathogenic/Likely pathogenic. Review status: criteria provided, multiple submitters, no conflicts (2 of 4 stars). 4 submissions from 4 submitters: Pathogenic (2); Likely pathogenic (2). Last evaluated 2025-07-23.

Conditions:
Myoclonic dystonia 11 (DYT11). Also called: DYT-SGCE; Myoclonic dystonia; Dystonia 11; Dystonia, alcohol responsive; Hereditary essential myoclonus; SGCE Myoclonus-Dystonia. Identifiers: Orphanet 36899, MedGen C1834570, MONDO:0008044, OMIM 159900.

Submissions (4):

Labcorp Genetics (formerly Invitae), Labcorp
Classification: Pathogenic for Myoclonic dystonia 11. Last evaluated: 2025-07-23. Review status: criteria provided, single submitter. Criteria: Invitae Variant Classification Sherloc (09022015). Collection method: clinical testing. Allele origin: germline.
Comment: This sequence change creates a premature translational stop signal (p.Thr353Argfs*24) in the SGCE gene. It is expected to result in an absent or disrupted protein product. Loss-of-function variants in SGCE are known to be pathogenic (PMID: 12821748, 15389977, 17853490, 24297365). This variant is present in population databases (rs758213105, gnomAD 0.002%). This premature translational stop signal has been observed in individual(s) with clinical features of SGCE-related conditions (PMID: 25150291). ClinVar contains an entry for this variant (Variation ID: 2433343). For these reasons, this variant has been classified as Pathogenic.

CeGaT Center for Human Genetics Tuebingen
Classification: Pathogenic. Last evaluated: 2025-04-01. Review status: criteria provided, single submitter. Criteria: CeGaT Center For Human Genetics Tuebingen Variant Classification Criteria Version 2. Collection method: clinical testing. Allele origin: germline. Affected: yes. Observed: 1 variant allele.
Comment: SGCE: PVS1, PM2, PS4:Supporting

GeneDx
Classification: Likely pathogenic. Last evaluated: 2023-10-05. Review status: criteria provided, single submitter. Criteria: GeneDx Variant Classification Process June 2021. Collection method: clinical testing. Allele origin: germline. Affected: yes.
Comment: Identified in an elderly patient with Parkinsons disease, although parental testing was not performed and the variant was also present in unaffected family members (Cilia et al., 2014); Frameshift variant predicted to result in protein truncation or nonsense mediated decay in a gene for which loss of function is a known mechanism of disease; Not observed at significant frequency in large population cohorts (gnomAD); This variant is associated with the following publications: (PMID: 25150291)

Revvity Omics, Revvity
Classification: Likely pathogenic for Myoclonic dystonia 11. Last evaluated: 2022-08-04. Review status: criteria provided, single submitter. Criteria: ACMG Guidelines, 2015. Collection method: clinical testing. Allele origin: germline.

Literature cited by the submitters: PubMed 12821748 (cited by Labcorp Genetics (formerly Invitae), Labcorp); PubMed 15389977 (cited by Labcorp Genetics (formerly Invitae), Labcorp); PubMed 17853490 (cited by Labcorp Genetics (formerly Invitae), Labcorp); PubMed 24297365 (cited by Labcorp Genetics (formerly Invitae), Labcorp); PubMed 25150291 (cited by Labcorp Genetics (formerly Invitae), Labcorp).

NM_003919.3(SGCE):c.1058_1062del (p.Thr353fs)

Genes: CASD1 (CAS1 domain sialic acid O acetyltransferase 1; plus strand), SGCE (sarcoglycan epsilon; minus strand). Cytogenetic location: 7q21.3.
Variant type: Deletion.
Coding change: c.1058_1062del on transcript NM_003919.3 (MANE Select); coding-DNA positions 1058 to 1062, 5 bases deleted (CACCA; older notation c.1058_1062delCACCA).
Protein change: p.Thr353fs; shifts the reading frame from threonine 353.
Molecular consequence: frameshift variant. On other transcripts: intron variant (6).
Genome position (GRCh38, 1-based): chr7:94,599,699-94,599,703, TGGTG deleted on the plus strand (CACCA on the coding strand, the reverse complement: SGCE is on the minus strand); deleting any 5 consecutive bases within chr7:94,599,699-94,599,704 gives the same sequence; the c. name uses the placement nearest the transcript's 3' end. VCF-style (leftmost placement, unchanged base first): chr7-94599698-CTGGTG-C. GRCh37 (hg19) VCF-style: chr7-94229010-CTGGTG-C.
Other names: c.1058_1062del (NM_003919.2); c.1058_1062del, p.Thr353fs (NM_001099401.2); c.935_939del, p.Thr312fs (NM_001301139.2); c.1166_1170del, p.Thr389fs (NM_001346713.2); c.971_975del, p.Thr324fs (NM_001346719.2); c.785_789del, p.Thr262fs (NM_001346720.2); c.915-740_915-736del (NM_001362809.2); c.1038-740_1038-736del (NM_001346717.2, NM_001099400.2); and 3 more; short protein forms T262fs, T312fs, T324fs, T353fs, T389fs.
Identifiers: ClinVar variation 2433343 (VCV002433343.14), dbSNP rs758213105, ClinGen allele CA4348650.
Genomic context (GRCh38, chr7:94,599,698, plus strand): 5'-TGGGCAACTGAGAGGTGGGAAAAAATGATGAAGAAAATAACAGGAAAGAAGACACTTACT[CTGGTG>C]TTTGCATGTTTCTCTTTTCCCTAGAAACAAAACAAAATTTATGAATTAAATAATAGCATT-3'